The following is an entry in ClinVar:

ClinVar aggregate classification (germline): Uncertain significance (1 of 4 stars; one submission).

gnomAD v4.1: 6 of 1,540,444 alleles (0.00039%); highest among the groups gnomAD compares: South Asian, 0.0012%; no homozygotes.

Submission:

Labcorp Genetics (formerly Invitae), Labcorp
Classification: Uncertain significance. Last evaluated: 2025-07-25. Review status: criteria provided, single submitter. Criteria: Invitae Variant Classification Sherloc (09022015). Collection method: clinical testing. Allele origin: germline.
Comment: This sequence change replaces alanine, which is neutral and non-polar, with valine, which is neutral and non-polar, at codon 28 of the PDE4D protein (p.Ala28Val). The frequency data for this variant in the population databases is considered unreliable, as metrics indicate poor data quality at this position in the gnomAD database. This variant has not been reported in the literature in individuals affected with PDE4D-related conditions. Experimental studies and prediction algorithms are not available or were not evaluated, and the functional significance of this variant is currently unknown. In summary, the available evidence is currently insufficient to determine the role of this variant in disease. Therefore, it has been classified as a Variant of Uncertain Significance.

NM_001104631.2(PDE4D):c.83C>T (p.Ala28Val)

Gene: PDE4D (phosphodiesterase 4D; minus strand). Cytogenetic location: 5q12.1.
Variant type: single nucleotide variant.
Coding change: c.83C>T on transcript NM_001104631.2 (MANE Select); coding-DNA position 83, C replaced by T.
Protein change: p.Ala28Val; replaces alanine 28 with valine.
Molecular consequence: missense variant. On other transcripts: intron variant (5).
Genome position (GRCh38, 1-based): chr5:59,893,540, G>A on the plus strand (C>T on the coding strand, the complement: PDE4D is on the minus strand). VCF-style: chr5-59893540-G-A. GRCh37 (hg19) VCF-style: chr5-59189367-G-A.
Other names: c.272+94948C>T (NM_001364599.1, NM_001165899.2, NM_001364600.2); c.-240+94948C>T (NM_001349243.2); c.242+94948C>T (NM_001349241.2); short protein forms A28V.
Identifiers: ClinVar variation 4753248 (VCV004753248.1).